The following is an entry in ClinVar:

NM_000179.3(MSH6):c.3368A>T (p.Glu1123Val)

Gene: MSH6 (mutS homolog 6; plus strand). Cytogenetic location: 2p16.3.
Variant type: single nucleotide variant.
Coding change: c.3368A>T on transcript NM_000179.3 (MANE Select); coding-DNA position 3368, A replaced by T.
Protein change: p.Glu1123Val; replaces glutamic acid 1123 with valine.
Molecular consequence: missense variant.
Genome position (GRCh38, 1-based): chr2:47,803,615, A>T. VCF-style: chr2-47803615-A-T. GRCh37 (hg19) VCF-style: chr2-48030754-A-T.
Other names: c.2978A>T, p.Glu993Val (NM_001281492.2); c.2462A>T, p.Glu821Val (NM_001281493.2, NM_001281494.2, NM_001406811.1 and 6 more transcripts); c.3464A>T, p.Glu1155Val (NM_001406795.1, NM_001406802.1); c.3368A>T, p.Glu1123Val (NM_001406796.1, NM_001406800.1, NM_001406808.1 and 1 more transcripts); c.3071A>T, p.Glu1024Val (NM_001406797.1, NM_001406801.1, NM_001406805.1 and 10 more transcripts); c.3194A>T, p.Glu1065Val (NM_001406798.1); c.2843A>T, p.Glu948Val (NM_001406799.1, NM_001406806.1, NM_001406807.1); c.2504A>T, p.Glu835Val (NM_001406803.1); and 7 more; short protein forms E1067V, E1123V, E1155V, E72V, E835V, E1065V, E948V, E993V.
Identifiers: ClinVar variation 1730675 (VCV001730675.2), dbSNP rs2104482695, ClinGen allele CA346758795.
Genomic context (GRCh38, chr2:47,803,615, plus strand): 5'-TTTTTGGAGATGATTTTATTCCTAATGACATTCTAATAGGCTGTGAGGAAGAGGAGCAGG[A>T]AAATGGCAAAGCCTATTGTGTGCTTGTTACTGGACCAAATATGGGGGGCAAGTCTACGCT-3'
Protein context (NP_000170.1, residues 1113-1133): ILIGCEEEEQ[Glu1123Val]NGKAYCVLVT

ClinVar aggregate classification (germline): Uncertain significance (1 of 4 stars; one submission).

Conditions:
Hereditary cancer-predisposing syndrome. Also called: Neoplastic Syndromes, Hereditary; Tumor predisposition; Hereditary Cancer Syndrome; Hereditary neoplastic syndrome. Identifiers: Orphanet 140162, MedGen C0027672, MeSH D009386, MONDO:0015356.

Submission:

Ambry Genetics
Classification: Uncertain significance for Hereditary cancer-predisposing syndrome. Last evaluated: 2022-10-21. Review status: criteria provided, single submitter. Criteria: Ambry Variant Classification Scheme 2023. Collection method: clinical testing. Allele origin: germline.
Comment: The p.E1123V variant (also known as c.3368A>T), located in coding exon 5 of the MSH6 gene, results from an A to T substitution at nucleotide position 3368. The glutamic acid at codon 1123 is replaced by valine, an amino acid with dissimilar properties. This amino acid position is poorly conserved in available vertebrate species. In addition, the in silico prediction for this alteration is inconclusive. Since supporting evidence is limited at this time, the clinical significance of this alteration remains unclear.